The following is an entry in ClinVar:

NC_000023.10:g.(?_32235013)_(32867957_?)dup

Gene: DMD (dystrophin; minus strand). Cytogenetic location: Xp21.1.
Variant type: Duplication.
Identifiers: ClinVar variation 2424965 (VCV002424965.5).

ClinVar aggregate classification (germline): Uncertain significance (1 of 4 stars; one submission).

Conditions:
Duchenne muscular dystrophy (DMD). Also called: Duchenne Muscular Dystrophy (DMD); MUSCULAR DYSTROPHY, PSEUDOHYPERTROPHIC PROGRESSIVE, DUCHENNE TYPE. Identifiers: Orphanet 98896, MedGen C0013264, MONDO:0010679, OMIM 310200.

Submission:

Labcorp Genetics (formerly Invitae), Labcorp
Classification: Uncertain significance for Duchenne muscular dystrophy. Last evaluated: 2022-08-27. Review status: criteria provided, single submitter. Criteria: Invitae Variant Classification Sherloc (09022015). Collection method: clinical testing. Allele origin: germline.
Comment: Experimental studies and prediction algorithms are not available or were not evaluated, and the functional significance of this variant is currently unknown. A similar copy number variant has been observed in individuals with clinical features of DMD-related conditions (PMID: 16030524, 22894145, 28181689). This variant results in a copy number gain of the genomic region encompassing exon(s) 3-44 of the DMD gene. While the exact position of this variant cannot be determined from the data, sub-genic copy number gains are generally in tandem (PMID: 25640679). This variant is predicted to be in-frame, and likely preserves the integrity of the reading frame. In summary, the available evidence is currently insufficient to determine the role of this variant in disease. Therefore, it has been classified as a Variant of Uncertain Significance.

Literature cited by the submitters: PubMed 16030524; PubMed 22894145; PubMed 28181689; PubMed 25640679.